The following is an entry in ClinVar:

ClinVar aggregate classification (germline): Uncertain significance (1 of 4 stars; one submission).

Conditions:
Dilated cardiomyopathy 1DD (CMD1DD). Identifiers: Orphanet 154, MedGen C2750995, MONDO:0013168, OMIM 613172.

Submission:

Labcorp Genetics (formerly Invitae), Labcorp
Classification: Uncertain significance for Dilated cardiomyopathy 1DD. Last evaluated: 2025-02-17. Review status: criteria provided, single submitter. Criteria: Invitae Variant Classification Sherloc (09022015). Collection method: clinical testing. Allele origin: germline.
Comment: This sequence change replaces histidine, which is basic and polar, with glutamine, which is neutral and polar, at codon 795 of the RBM20 protein (p.His795Gln). This variant is not present in population databases (gnomAD no frequency). This variant has not been reported in the literature in individuals affected with RBM20-related conditions. Invitae Evidence Modeling of protein sequence and biophysical properties (such as structural, functional, and spatial information, amino acid conservation, physicochemical variation, residue mobility, and thermodynamic stability) indicates that this missense variant is not expected to disrupt RBM20 protein function with a negative predictive value of 95%. In summary, the available evidence is currently insufficient to determine the role of this variant in disease. Therefore, it has been classified as a Variant of Uncertain Significance.

NM_001134363.3(RBM20):c.2385C>G (p.His795Gln)

Gene: RBM20 (RNA binding motif protein 20; plus strand). Cytogenetic location: 10q25.2.
Variant type: single nucleotide variant.
Coding change: c.2385C>G on transcript NM_001134363.3 (MANE Select); coding-DNA position 2385, C replaced by G.
Protein change: p.His795Gln; replaces histidine 795 with glutamine.
Molecular consequence: missense variant.
Genome position (GRCh38, 1-based): chr10:110,812,782, C>G. VCF-style: chr10-110812782-C-G. GRCh37 (hg19) VCF-style: chr10-112572540-C-G.
Other names: short protein forms H795Q.
Identifiers: ClinVar variation 4802659 (VCV004802659.1).
Genomic context (GRCh38, chr10:110,812,782, plus strand): 5'-GCAGGATGCCCCCGGGAGGTCCAGGAGGAAAGACGAGGCCAGGCTGCGGGAAAGCAGACA[C>G]CCCCATCCGGATGACTCAGGCAAGGAAGATGGGCTGGGGCCAAAGGTCACTAGGGCCCCT-3'
Protein context (NP_001127835.2, residues 785-805): KDEARLRESR[His795Gln]PHPDDSGKED